The following is an entry in ClinVar:

ClinVar aggregate classification (germline): Benign (0 of 4 stars; one submission).

Conditions:
DLK1-related disorder. Also called: DLK1-related condition.

Allele frequency attached by ClinVar (database versions not stated): gnomAD exomes 0.00412; ESP Exome Variant Server 0.00861; ExAC 0.01074; gnomAD 0.01232; TOPMed 0.01306; 1000 Genomes Project 30x 0.02046; 1000 Genomes Project 0.02137.

Submission:

PreventionGenetics, part of Exact Sciences
Classification: Benign for DLK1-related condition. Last evaluated: 2019-10-21. Review status: no assertion criteria provided. Collection method: clinical testing. Allele origin: germline.
Comment: This variant is classified as benign based on ACMG/AMP sequence variant interpretation guidelines (Richards et al. 2015 PMID: 25741868, with internal and published modifications).

NM_003836.7(DLK1):c.699T>C (p.Cys233=)

Gene: DLK1 (delta like non-canonical Notch ligand 1; plus strand). Cytogenetic location: 14q32.2.
Variant type: single nucleotide variant.
Coding change: c.699T>C on transcript NM_003836.7 (MANE Select); coding-DNA position 699, T replaced by C.
Protein change: p.Cys233=; no amino-acid change (cysteine 233 retained).
Molecular consequence: synonymous variant. On other transcripts: intron variant (1).
Genome position (GRCh38, 1-based): chr14:100,734,443, T>C. VCF-style: chr14-100734443-T-C. GRCh37 (hg19) VCF-style: chr14-101200780-T-C.
Other names: c.684+15T>C (NM_001317172.2).
Identifiers: ClinVar variation 3037935 (VCV003037935.2), dbSNP rs2295660, ClinGen allele CA7346698.
Genomic context (GRCh38, chr14:100,734,443, plus strand): 5'-CAGCAGCCCGTGCCAGAACGGGGGCACCTGCCTGCAGCACACCCAGGTGAGCTACGAGTG[T>C]CTGTGCAAGCCCGAGTTCACAGGTCTCACCTGTGTCAAGAAGCGCGCGCTGAGCCCCCAG-3'
Protein context (NP_003827.4, residues 223-243): CLQHTQVSYE[Cys233=]LCKPEFTGLT